The following is an entry in ClinVar:

ClinVar aggregate classification (germline): Uncertain significance (1 of 4 stars; one submission).

Conditions:
Mitochondrial complex II deficiency, nuclear type 1. Also called: SUCCINATE CoQ REDUCTASE DEFICIENCY. Identifiers: Orphanet 3208, MedGen C5700310, MONDO:0100294, OMIM 252011.
Pheochromocytoma/paraganglioma syndrome 5. Also called: Paragangliomas 5; SDHA-Related Hereditary Paraganglioma-Pheochromocytoma Syndrome. Identifiers: Orphanet 29072, MedGen C3279992, MONDO:0013602, OMIM 614165.

Submission:

Labcorp Genetics (formerly Invitae), Labcorp
Classification: Uncertain significance for Pheochromocytoma/paraganglioma syndrome 5; Mitochondrial complex II deficiency, nuclear type 1. Last evaluated: 2021-11-08. Review status: criteria provided, single submitter. Criteria: Invitae Variant Classification Sherloc (09022015). Collection method: clinical testing. Allele origin: germline.
Comment: This sequence change replaces cysteine, which is neutral and slightly polar, with serine, which is neutral and polar, at codon 287 of the SDHA protein (p.Cys287Ser). This variant is not present in population databases (gnomAD no frequency). This variant has not been reported in the literature in individuals affected with SDHA-related conditions. Advanced modeling of protein sequence and biophysical properties (such as structural, functional, and spatial information, amino acid conservation, physicochemical variation, residue mobility, and thermodynamic stability) performed at Invitae indicates that this missense variant is not expected to disrupt SDHA protein function. In summary, the available evidence is currently insufficient to determine the role of this variant in disease. Therefore, it has been classified as a Variant of Uncertain Significance.

NM_004168.4(SDHA):c.859T>A (p.Cys287Ser)

Gene: SDHA (succinate dehydrogenase complex flavoprotein subunit A; plus strand). Cytogenetic location: 5p15.33.
Variant type: single nucleotide variant.
Coding change: c.859T>A on transcript NM_004168.4 (MANE Select); coding-DNA position 859, T replaced by A.
Protein change: p.Cys287Ser; replaces cysteine 287 with serine.
Molecular consequence: missense variant.
Genome position (GRCh38, 1-based): chr5:230,964, T>A. VCF-style: chr5-230964-T-A. GRCh37 (hg19) VCF-style: chr5-231079-T-A.
Other names: c.715T>A, p.Cys239Ser (NM_001294332.2); c.859T>A, p.Cys287Ser (NM_001330758.2); short protein forms C239S, C287S.
Identifiers: ClinVar variation 1388795 (VCV001388795.6), dbSNP rs2126568567, ClinGen allele CA359011899.